The following is an entry in ClinVar:

NM_001292063.2(OTOG):c.6354G>C (p.Leu2118=)

Gene: OTOG (otogelin; plus strand). Cytogenetic location: 11p15.1.
Variant type: single nucleotide variant.
Coding change: c.6354G>C on transcript NM_001292063.2 (MANE Select); coding-DNA position 6354, G replaced by C.
Protein change: p.Leu2118=; no amino-acid change (leucine 2118 retained).
Molecular consequence: synonymous variant.
Genome position (GRCh38, 1-based): chr11:17,612,681, G>C. VCF-style: chr11-17612681-G-C. GRCh37 (hg19) VCF-style: chr11-17634228-G-C.
Other names: c.6390G>C, p.Leu2130= (NM_001277269.2).
Identifiers: ClinVar variation 3035305 (VCV003035305.2), dbSNP rs893824881, ClinGen allele CA218478839.
Genomic context (GRCh38, chr11:17,612,681, plus strand): 5'-CCGGTGCTCAATCTTCCCTGACCTGAGCTTCGTGACCTTCGATGGGAGCCACGTAGCTCT[G>C]TTCAAGGAGGCCATCTACATCCTCAGCCAGAGCCCAGATGAAATGCTCACCGTCCATGTA-3'
Protein context (NP_001278992.1, residues 2108-2128): FVTFDGSHVA[Leu2118=]FKEAIYILSQ

ClinVar aggregate classification (germline): Likely benign (0 of 4 stars; one submission).

Conditions:
OTOG-related disorder. Also called: OTOG-related condition.

Allele frequency attached by ClinVar (database versions not stated): gnomAD 0.00003; TOPMed 0.00004; 1000 Genomes Project 30x 0.00016.
gnomAD v4.1: 13 of 1,550,614 alleles (0.00084%); highest among the groups gnomAD compares: African/African-American, 0.015%; no homozygotes.

Submission:

PreventionGenetics, part of Exact Sciences
Classification: Likely benign for OTOG-related condition. Last evaluated: 2019-08-07. Review status: no assertion criteria provided. Collection method: clinical testing. Allele origin: germline.
Comment: This variant is classified as likely benign based on ACMG/AMP sequence variant interpretation guidelines (Richards et al. 2015 PMID: 25741868, with internal and published modifications).